The following is an entry in ClinVar:

ClinVar aggregate classification (germline): Uncertain significance (1 of 4 stars; one submission).

Conditions:
FREM1-related disorder. Also called: FREM1-related condition; FREM1-Related Disorders.

Allele frequency attached by ClinVar (database versions not stated): gnomAD exomes below 0.00001.
gnomAD v4.1: 2 of 1,612,860 alleles (0.00012%); highest among the groups gnomAD compares: South Asian, 0.0011%; no homozygotes.

Submission:

PreventionGenetics, part of Exact Sciences
Classification: Uncertain significance for FREM1-related condition. Last evaluated: 2023-09-13. Review status: criteria provided, single submitter. Criteria: ACMG Guidelines, 2015. Collection method: clinical testing. Allele origin: germline.
Comment: The FREM1 c.4152A>C variant is predicted to result in the amino acid substitution p.Gln1384His. To our knowledge, this variant has not been reported in the literature. This variant is reported in 0.0033% of alleles in individuals of South Asian descent in gnomAD. At this time, the clinical significance of this variant is uncertain due to the absence of conclusive functional and genetic evidence.

NM_001379081.2(FREM1):c.4152A>C (p.Gln1384His)

Gene: FREM1 (FRAS1 related extracellular matrix 1; minus strand). Cytogenetic location: 9p22.3.
Variant type: single nucleotide variant.
Coding change: c.4152A>C on transcript NM_001379081.2 (MANE Select); coding-DNA position 4152, A replaced by C.
Protein change: p.Gln1384His; replaces glutamine 1384 with histidine.
Molecular consequence: missense variant. On other transcripts: non-coding transcript variant (1).
Genome position (GRCh38, 1-based): chr9:14,788,944, T>G on the plus strand (A>C on the coding strand, the complement: FREM1 is on the minus strand). VCF-style: chr9-14788944-T-G. GRCh37 (hg19) VCF-style: chr9-14788942-T-G.
Other names: c.4152A>C, p.Gln1384His (NM_144966.7); short protein forms Q1384H.
Identifiers: ClinVar variation 2630771 (VCV002630771.1), dbSNP rs759344214, ClinGen allele CA372966517.